The following is an entry in ClinVar:

NM_000179.3(MSH6):c.1236G>A (p.Lys412=)

Gene: MSH6 (mutS homolog 6; plus strand). Cytogenetic location: 2p16.3.
Variant type: single nucleotide variant.
Coding change: c.1236G>A on transcript NM_000179.3 (MANE Select); coding-DNA position 1236, G replaced by A.
Protein change: p.Lys412=; no amino-acid change (lysine 412 retained).
Molecular consequence: synonymous variant.
Genome position (GRCh38, 1-based): chr2:47,799,219, G>A. VCF-style: chr2-47799219-G-A. GRCh37 (hg19) VCF-style: chr2-48026358-G-A.
Other names: c.846G>A, p.Lys282= (NM_001281492.2); c.330G>A, p.Lys110= (NM_001281493.2, NM_001281494.2).
Identifiers: ClinVar variation 455126 (VCV000455126.21), dbSNP rs1553412665, ClinGen allele CA426120865.
Genomic context (GRCh38, chr2:47,799,219, plus strand): 5'-TGCATCTACACTCTATGTGCCTGAGGATTTCCTCAATTCTTGTACTCCTGGGATGAGGAA[G>A]TGGTGGCAGATTAAGTCTCAGAACTTTGATCTTGTCATCTGTTACAAGGTGGGGAAATTT-3'
Protein context (NP_000170.1, residues 402-422): FLNSCTPGMR[Lys412=]WWQIKSQNFD

ClinVar aggregate classification (germline): Benign/Likely benign. Review status: criteria provided, multiple submitters, no conflicts (2 of 4 stars). 6 submissions from 6 submitters: Benign (1); Likely benign (5). Last evaluated 2025-08-13.

Conditions:
Hereditary nonpolyposis colorectal neoplasms. Identifiers: MedGen C0009405, MeSH D003123.
Hereditary cancer-predisposing syndrome. Also called: Neoplastic Syndromes, Hereditary; Hereditary Cancer Syndrome; Hereditary neoplastic syndrome; Tumor predisposition. Identifiers: Orphanet 140162, MedGen C0027672, MeSH D009386, MONDO:0015356.
Lynch syndrome. Identifiers: Orphanet 144, MedGen C4552100, MONDO:0005835. Disease mechanism: loss of function.
Lynch syndrome 5 (LYNCH5). Also called: Colorectal cancer, hereditary nonpolyposis, type 5; Hereditary non-polyposis colorectal cancer, type 5. Identifiers: Orphanet 144, MedGen C1833477, MONDO:0013710, OMIM 614350. Disease mechanism: loss of function.

gnomAD v4.1: 3 of 1,614,174 alleles (0.00019%); highest among the groups gnomAD compares: Non-Finnish European, 0.00025%; no homozygotes.

Submissions (6):

Labcorp Genetics (formerly Invitae), Labcorp
Classification: Likely benign for Hereditary nonpolyposis colorectal neoplasms. Last evaluated: 2025-08-13. Review status: criteria provided, single submitter. Criteria: Invitae Variant Classification Sherloc (09022015). Collection method: clinical testing. Allele origin: germline.

Myriad Genetics, Inc.
Classification: Benign for Lynch syndrome 5. Last evaluated: 2024-12-23. Review status: criteria provided, single submitter. Criteria: Myriad Autosomal Dominant, Autosomal Recessive and X-Linked Classification Criteria (2023). Collection method: clinical testing. Allele origin: unknown.
Comment: This variant is considered benign. This variant is a silent/synonymous amino acid change and it is not expected to impact splicing.

Blueprint Genetics
Classification: Likely benign. Last evaluated: 2024-03-04. Review status: criteria provided, single submitter. Criteria: ACMG Guidelines, 2015. Collection method: clinical testing. Allele origin: germline.

All of Us Research Program, National Institutes of Health
Classification: Likely benign for Lynch syndrome. Last evaluated: 2023-11-02. Review status: criteria provided, single submitter. Criteria: ACMG Guidelines, 2015. Collection method: clinical testing. Allele origin: germline. Inheritance: Autosomal dominant inheritance. Observed: 1 variant allele, 1 heterozygote.
Comment: This study involves interpretation of variants in research participants for the purpose of population health screening. Participant phenotype was not available at the time of variant classification. Additional details can be found in publication PMID: 35346344, PMCID: PMC8962531

Color Diagnostics, LLC DBA Color Health
Classification: Likely benign for Hereditary cancer-predisposing syndrome. Last evaluated: 2017-02-03. Review status: criteria provided, single submitter. Criteria: ACMG Guidelines, 2015. Collection method: clinical testing. Allele origin: germline.

Ambry Genetics
Classification: Likely benign for Hereditary cancer-predisposing syndrome. Last evaluated: 2016-03-31. Review status: criteria provided, single submitter. Criteria: Ambry Variant Classification Scheme 2023. Collection method: clinical testing. Allele origin: germline.